The following is an entry in ClinVar:

ClinVar aggregate classification (germline): Benign. Review status: criteria provided, multiple submitters, no conflicts (2 of 4 stars). 2 submissions from 2 submitters: Benign (2). Last evaluated 2018-06-14.

Allele frequency attached by ClinVar (database versions not stated): gnomAD exomes 0.08593; gnomAD 0.22607 and 0.23543; TOPMed 0.24332; 1000 Genomes Project 0.24541; 1000 Genomes Project 30x 0.25468.
gnomAD v4.1: 99,143 of 896,152 alleles (11%); highest among the groups gnomAD compares: African/African-American, 61%; 14,419 homozygotes.

Submissions (2):

GeneDx
Classification: Benign. Last evaluated: 2018-06-14. Review status: criteria provided, single submitter. Criteria: GeneDx Variant Classification (06012015). Collection method: clinical testing. Allele origin: germline. Affected: yes.
Comment: This variant is considered likely benign or benign based on one or more of the following criteria: it is a conservative change, it occurs at a poorly conserved position in the protein, it is predicted to be benign by multiple in silico algorithms, and/or has population frequency not consistent with disease.

Breakthrough Genomics
Classification: Benign. Review status: criteria provided, single submitter. Criteria: ACMG Guidelines, 2015. Collection method: not provided. Allele origin: germline. Inheritance: Autosomal recessive inheritance. Affected: yes.

NM_170707.4(LMNA):c.1380+142G>A

Gene: LMNA (lamin A/C; plus strand). Cytogenetic location: 1q22.
Variant type: single nucleotide variant.
Coding change: c.1380+142G>A on transcript NM_170707.4 (MANE Select); 142 bases into the intron after coding-DNA position 1380, G replaced by A.
Molecular consequence: intron variant.
Genome position (GRCh38, 1-based): chr1:156,136,578, G>A. VCF-style: chr1-156136578-G-A. GRCh37 (hg19) VCF-style: chr1-156106369-G-A.
Other names: c.1380+142G>A (NM_001282625.2, NM_001282626.2, NM_170708.4 and 1 more transcripts); c.1044+142G>A (NM_001257374.3); c.1137+142G>A (NM_001282624.2).
Identifiers: ClinVar variation 672784 (VCV000672784.2), dbSNP rs476000, ClinGen allele CA15078758.
Genomic context (GRCh38, chr1:156,136,578, plus strand): 5'-GGAACATCCTTGCCCTCAGAGGGTGGACCAGGGTGAGCCTGTATATCTCCTCCACACTCT[G>A]GTTCCAGGCCTGGCTCCTGGACTCTTTGGCTGTGAGACCTTGAGCAGGTTATTTAACCTC-3'